The following is an entry in ClinVar:

ClinVar aggregate classification (germline): Pathogenic (1 of 4 stars; one submission).

Conditions:
Jeune thoracic dystrophy. Also called: Jeune syndrome; Infantile thoracic dystrophy; Thoracic pelvic phalangeal dystrophy; Jeune's syndrome; Chondroectodermal dysplasia-like syndrome; Short-rib thoracic dysplasia. Identifiers: Orphanet 474, MedGen C0265275, MONDO:0018770.

Submission:

Labcorp Genetics (formerly Invitae), Labcorp
Classification: Pathogenic for Jeune thoracic dystrophy. Last evaluated: 2023-11-05. Review status: criteria provided, single submitter. Criteria: Invitae Variant Classification Sherloc (09022015). Collection method: clinical testing. Allele origin: germline.
Comment: This sequence change creates a premature translational stop signal (p.Arg3326Leufs*14) in the DYNC2H1 gene. It is expected to result in an absent or disrupted protein product. Loss-of-function variants in DYNC2H1 are known to be pathogenic (PMID: 23339108, 32753734, 33755199). This variant is not present in population databases (gnomAD no frequency). This variant has not been reported in the literature in individuals affected with DYNC2H1-related conditions. Algorithms developed to predict the effect of sequence changes on RNA splicing suggest that this variant may disrupt the consensus splice site. For these reasons, this variant has been classified as Pathogenic.

Literature cited by the submitters: PubMed 23339108; PubMed 32753734; PubMed 33755199.

NM_001377.3(DYNC2H1):c.9956del (p.Arg3319fs)

Gene: DYNC2H1 (dynein cytoplasmic 2 heavy chain 1; plus strand). Cytogenetic location: 11q22.3.
Variant type: Deletion.
Coding change: c.9956del on transcript NM_001377.3 (MANE Select); coding-DNA position 9956, one base deleted (G; older notation c.9956delG).
Protein change: p.Arg3319fs; shifts the reading frame from arginine 3319.
Molecular consequence: frameshift variant.
Genome position (GRCh38, 1-based): chr11:103,245,288, G deleted. VCF-style (leftmost placement, unchanged base first): chr11-103245287-CG-C. GRCh37 (hg19) VCF-style: chr11-103116016-CG-C.
Other names: c.9977del, p.Arg3326fs (NM_001080463.2); short protein forms R3319fs, R3326fs.
Identifiers: ClinVar variation 2780227 (VCV002780227.3), dbSNP rs1864570703, ClinGen allele CA1996445198.